The following is an entry in ClinVar:

NM_001369.3(DNAH5):c.8387A>G (p.Asp2796Gly)

Gene: DNAH5 (dynein axonemal heavy chain 5; minus strand). Cytogenetic location: 5p15.2.
Variant type: single nucleotide variant.
Coding change: c.8387A>G on transcript NM_001369.3 (MANE Select); coding-DNA position 8387, A replaced by G.
Protein change: p.Asp2796Gly; replaces aspartic acid 2796 with glycine.
Molecular consequence: missense variant.
Genome position (GRCh38, 1-based): chr5:13,792,055, T>C on the plus strand (A>G on the coding strand, the complement: DNAH5 is on the minus strand). VCF-style: chr5-13792055-T-C. GRCh37 (hg19) VCF-style: chr5-13792164-T-C.
Other names: short protein forms D2796G.
Identifiers: ClinVar variation 163140 (VCV000163140.17), dbSNP rs727502974, ClinGen allele CA175781.

ClinVar aggregate classification (germline): Conflicting classifications of pathogenicity. Review status: criteria provided, conflicting classifications (1 of 4 stars). 4 submissions from 4 submitters: Pathogenic (1); Likely pathogenic (1); Uncertain significance (2). Last evaluated 2023-06-05.

Conditions:
Primary ciliary dyskinesia. Also called: Ciliary dyskinesia. Identifiers: Orphanet 244, MedGen C0008780, MONDO:0016575, HP:0012265.

Allele frequency attached by ClinVar (database versions not stated): gnomAD exomes 0.00002; gnomAD 0.00007 and 0.00008; TOPMed 0.00010.
gnomAD v4.1: 19 of 1,613,978 alleles (0.0012%); highest among the groups gnomAD compares: Admixed American, 0.027%; no homozygotes.

Submissions (4):

Labcorp Genetics (formerly Invitae), Labcorp
Classification: Pathogenic for Primary ciliary dyskinesia. Last evaluated: 2023-06-05. Review status: criteria provided, single submitter. Criteria: Invitae Variant Classification Sherloc (09022015). Collection method: clinical testing. Allele origin: germline.
Comment: This variant disrupts the p.Asp2796 amino acid residue in DNAH5. Other variant(s) that disrupt this residue have been determined to be pathogenic (Invitae). This suggests that this residue is clinically significant, and that variants that disrupt this residue are likely to be disease-causing. For these reasons, this variant has been classified as Pathogenic. Advanced modeling of protein sequence and biophysical properties (such as structural, functional, and spatial information, amino acid conservation, physicochemical variation, residue mobility, and thermodynamic stability) has been performed at Invitae for this missense variant, however the output from this modeling did not meet the statistical confidence thresholds required to predict the impact of this variant on DNAH5 protein function. ClinVar contains an entry for this variant (Variation ID: 163140). This missense change has been observed in individual(s) with primary ciliary dyskinesia (Invitae). In at least one individual the data is consistent with being in trans (on the opposite chromosome) from a pathogenic variant. This variant is present in population databases (rs727502974, gnomAD 0.01%). This sequence change replaces aspartic acid, which is acidic and polar, with glycine, which is neutral and non-polar, at codon 2796 of the DNAH5 protein (p.Asp2796Gly).

Blueprint Genetics
Classification: Uncertain significance. Last evaluated: 2021-10-24. Review status: criteria provided, single submitter. Criteria: ACMG Guidelines, 2015. Collection method: clinical testing. Allele origin: germline.

Ambry Genetics
Classification: Likely pathogenic for Primary ciliary dyskinesia. Last evaluated: 2020-01-10. Review status: criteria provided, single submitter. Criteria: Ambry Variant Classification Scheme 2023. Collection method: clinical testing. Allele origin: germline.
Comment: The p.D2796G variant (also known as c.8387A>G), located in coding exon 50 of the DNAH5 gene, results from an A to G substitution at nucleotide position 8387. The aspartic acid at codon 2796 is replaced by glycine, an amino acid with similar properties. This amino acid position is highly conserved in available vertebrate species. In addition, this alteration is predicted to be deleterious by in silico analysis. Based on the majority of available evidence to date, this variant is likely to be pathogenic.

Laboratory for Molecular Medicine, Mass General Brigham Personalized Medicine
Classification: Uncertain significance. Last evaluated: 2019-05-22. Review status: criteria provided, single submitter. Criteria: LMM Criteria. Collection method: clinical testing. Allele origin: germline. Observed: 1 variant allele.
Comment: proposed classification - variant undergoing re-assessment, contact laboratory